The following is an entry in ClinVar:

ClinVar aggregate classification (germline): Uncertain significance (1 of 4 stars; one submission).

Conditions:
Disseminated atypical mycobacterial infection. Identifiers: MedGen C0694566.

Submission:

Labcorp Genetics (formerly Invitae), Labcorp
Classification: Uncertain significance for Disseminated atypical mycobacterial infection. Last evaluated: 2021-02-11. Review status: criteria provided, single submitter. Criteria: Invitae Variant Classification Sherloc (09022015). Collection method: clinical testing. Allele origin: germline.
Comment: In summary, the available evidence is currently insufficient to determine the role of this variant in disease. Therefore, it has been classified as a Variant of Uncertain Significance. Algorithms developed to predict the effect of missense changes on protein structure and function are either unavailable or do not agree on the potential impact of this missense change (SIFT: "Tolerated"; PolyPhen-2: "Possibly Damaging"; Align-GVGD: "Class C0"). This variant has not been reported in the literature in individuals with IFNGR1-related conditions. This variant is not present in population databases (ExAC no frequency). This sequence change replaces glutamic acid with glutamine at codon 164 of the IFNGR1 protein (p.Glu164Gln). The glutamic acid residue is moderately conserved and there is a small physicochemical difference between glutamic acid and glutamine.

NM_000416.3(IFNGR1):c.490G>C (p.Glu164Gln)

Gene: IFNGR1 (interferon gamma receptor 1; minus strand). Cytogenetic location: 6q23.3.
Variant type: single nucleotide variant.
Coding change: c.490G>C on transcript NM_000416.3 (MANE Select); coding-DNA position 490, G replaced by C.
Protein change: p.Glu164Gln; replaces glutamic acid 164 with glutamine.
Molecular consequence: missense variant.
Genome position (GRCh38, 1-based): chr6:137,204,388, C>G on the plus strand (G>C on the coding strand, the complement: IFNGR1 is on the minus strand). VCF-style: chr6-137204388-C-G. GRCh37 (hg19) VCF-style: chr6-137525525-C-G.
Other names: c.460G>C, p.Glu154Gln (NM_001363526.1); c.367G>C, p.Glu123Gln (NM_001363527.1); short protein forms E123Q, E154Q, E164Q.
Identifiers: ClinVar variation 1461210 (VCV001461210.8), dbSNP rs146687518, ClinGen allele CA365775307.
Genomic context (GRCh38, chr6:137,204,388, plus strand): 5'-ATACCTCACTTCCGTTCATTCTCACATACACATTGTACACCCTAATGTAACAGGTAGTTT[C>G]GGGATCATAATCGACTTCCTGCTCGTCTCCATTTACAAAAACTGAAGGGTGAAATATGTC-3'
Protein context (NP_000407.1, residues 154-174): GDEQEVDYDP[Glu164Gln]TTCYIRVYNV